The following is an entry in ClinVar:

ClinVar aggregate classification (germline): Conflicting classifications of pathogenicity. Review status: criteria provided, conflicting classifications (1 of 4 stars). 6 submissions from 5 submitters: Uncertain significance (3); Likely benign (2). 1 of the submissions does not count toward it. Last evaluated 2026-08-27.

Conditions:
PRPH2-related disorder. Also called: PRPH2-related disorders; PRPH2-related condition. Identifiers: MedGen CN239395.
Cone-rod dystrophy. Also called: Cone-rod degeneration; Cone/cone-rod dystrophy. Identifiers: Orphanet 1872, MedGen C4085590, MONDO:0015993, HP:0000548.
Stargardt disease (FFM). Also called: Stargardt's disease; Fundus flavimaculatus. Identifiers: Orphanet 827, MedGen C0271093, MONDO:0019353.

Allele frequency attached by ClinVar (database versions not stated): TOPMed 0.00002; gnomAD 0.00003 and 0.00010; gnomAD exomes 0.00019 and 0.00035; 1000 Genomes Project 30x 0.00031; 1000 Genomes Project 0.00040; ExAC 0.00046.
gnomAD v4.1: 295 of 1,614,104 alleles (0.018%); highest among the groups gnomAD compares: South Asian, 0.29%; 2 homozygotes.

Submissions (6):

PreventionGenetics, part of Exact Sciences
Classification: Uncertain significance for PRPH2-related condition. Last evaluated: 2026-08-27. Review status: criteria provided, single submitter. Criteria: ACMG Guidelines, 2015. Collection method: clinical testing. Allele origin: germline.
Comment: The PRPH2 c.380A>G variant is predicted to result in the amino acid substitution p.Glu127Gly. This variant has been reported in the heterozygous state in individuals with inherited retinal disease (Yoon et al. 2015. PubMed ID: 26155838; Table S3, Reeves et al. 2020. PubMed ID: 32531846; Table S2, Peeters et al. 2021. PubMed ID: 34411390; Table S1, Lin et al. 2024. PubMed ID: 38219857). However, this variant is present in 0.27% of alleles in individuals of South Asian descent in gnomAD including two homozygotes in v4.1.0, which may be too frequent to be a primary cause of disease. Although we suspect that this variant may be benign, at this time, the clinical significance of this variant is uncertain due to the absence of conclusive functional and genetic evidence.

Labcorp Genetics (formerly Invitae), Labcorp
Classification: Likely benign for PRPH2-related disorder. Last evaluated: 2025-08-06. Review status: criteria provided, single submitter. Criteria: Invitae Variant Classification Sherloc (09022015). Collection method: clinical testing. Allele origin: germline.

Blueprint Genetics
Classification: Likely benign. Last evaluated: 2024-04-23. Review status: criteria provided, single submitter. Criteria: ACMG Guidelines, 2015. Collection method: clinical testing. Allele origin: germline.

NEI Ophthalmic Genomics Laboratory, National Institutes of Health
Classification: Uncertain significance for Cone-rod dystrophy. Last evaluated: 2020-01-07. Review status: criteria provided, single submitter. Criteria: ACMG Guidelines, 2015. Collection method: clinical testing. Allele origin: germline. Affected: yes.
Comment: The variant NM_000322.4:c.380A>G in the PRPH2 gene has been previously studied (PMID 26155838). We found this variant in 3 patient(s) in a PRPH2 cohort study (Reeves et al. 2020). This variant is listed in dbSNP and/or HGMD (rs543703718; CM156688). It is present in gnomAD browser (AF 0.0003577). This variant is not already listed in ClinVar. It is not enriched in the PRPH2 disease cohort. We invoked ACMG criteria [PM2, PP3, PP1-M] and classified NM_000322.4:c.380A>G in the PRPH2 gene as a Variant of Uncertain Significance.

NEI Ophthalmic Genomics Laboratory, National Institutes of Health
Classification: Uncertain significance for Stargardt disease. Last evaluated: 2020-01-07. Review status: criteria provided, single submitter. Criteria: ACMG Guidelines, 2015. Collection method: clinical testing. Allele origin: germline. Affected: yes.
Comment: the same text as in the submission from NEI Ophthalmic Genomics Laboratory, National Institutes of Health above.

Leiden Open Variation Database
Classification: Likely pathogenic. Last evaluated: 2021-05-06. Review status: no assertion criteria provided. Collection method: curation. Allele origin: germline. Affected: yes. Not counted in ClinVar's aggregate classification.
Comment: Curator: Global Variome, with Curator vacancy. Submitter to LOVD: Manon Peeters. Comment: Variant observed de novo.

Literature cited by the submitters: PubMed 26155838 (cited by Leiden Open Variation Database); PubMed 32531846 (cited by Leiden Open Variation Database).

NM_000322.5(PRPH2):c.380A>G (p.Glu127Gly)

Gene: PRPH2 (peripherin 2; minus strand). Cytogenetic location: 6p21.1.
Variant type: single nucleotide variant.
Coding change: c.380A>G on transcript NM_000322.5 (MANE Select); coding-DNA position 380, A replaced by G.
Protein change: p.Glu127Gly; replaces glutamic acid 127 with glycine.
Molecular consequence: missense variant.
Genome position (GRCh38, 1-based): chr6:42,721,955, T>C on the plus strand (A>G on the coding strand, the complement: PRPH2 is on the minus strand). VCF-style: chr6-42721955-T-C. GRCh37 (hg19) VCF-style: chr6-42689693-T-C.
Other names: short protein forms E127G.
Identifiers: ClinVar variation 973712 (VCV000973712.13), dbSNP rs543703718, ClinGen allele CA3808625.